The following is an entry in ClinVar:

NM_005188.4(CBL):c.1354T>C (p.Ser452Pro)

Gene: CBL (Cbl proto-oncogene; plus strand). Cytogenetic location: 11q23.3.
Variant type: single nucleotide variant.
Coding change: c.1354T>C on transcript NM_005188.4 (MANE Select); coding-DNA position 1354, T replaced by C.
Protein change: p.Ser452Pro; replaces serine 452 with proline.
Molecular consequence: missense variant.
Genome position (GRCh38, 1-based): chr11:119,278,636, T>C. VCF-style: chr11-119278636-T-C. GRCh37 (hg19) VCF-style: chr11-119149346-T-C.
Other names: short protein forms S452P.
Identifiers: ClinVar variation 5033762 (VCV005033762.1).
Genomic context (GRCh38, chr11:119,278,636, plus strand): 5'-GATCCGTTTGATCCTAGAGGGAGTGGCAGCCTGTTGAGGCAAGGAGCAGAGGGAGCTCCC[T>C]CCCCAAATTATGATGATGATGATGATGAACGAGCTGATGATACTCTCTTCATGATGAAGG-3'
Protein context (NP_005179.2, residues 442-462): LLRQGAEGAP[Ser452Pro]PNYDDDDDER

ClinVar aggregate classification (germline): Uncertain significance (1 of 4 stars; one submission).

Conditions:
Cardiovascular phenotype. Identifiers: MedGen CN230736.

Submission:

Ambry Genetics
Classification: Uncertain significance for Cardiovascular phenotype. Last evaluated: 2026-08-05. Review status: criteria provided, single submitter. Criteria: Ambry Variant Classification Scheme 2023. Collection method: clinical testing. Allele origin: germline.
Comment: The p.S452P variant (also known as c.1354T>C), located in coding exon 9 of the CBL gene, results from a T to C substitution at nucleotide position 1354. The serine at codon 452 is replaced by proline, an amino acid with similar properties. This amino acid position is conserved. In addition, the in silico prediction for this alteration is inconclusive. Based on the available evidence, the clinical significance of this variant remains unclear.